The following is an entry in ClinVar:

NM_003680.4(YARS1):c.425A>G (p.Gln142Arg)

Gene: YARS1 (tyrosyl-tRNA synthetase 1; minus strand). Cytogenetic location: 1p35.1.
Variant type: single nucleotide variant.
Coding change: c.425A>G on transcript NM_003680.4 (MANE Select); coding-DNA position 425, A replaced by G.
Protein change: p.Gln142Arg; replaces glutamine 142 with arginine.
Molecular consequence: missense variant.
Genome position (GRCh38, 1-based): chr1:32,806,567, T>C on the plus strand (A>G on the coding strand, the complement: YARS1 is on the minus strand). VCF-style: chr1-32806567-T-C. GRCh37 (hg19) VCF-style: chr1-33272168-T-C.
Other names: short protein forms Q142R.
Identifiers: ClinVar variation 937185 (VCV000937185.8), dbSNP rs1638471229, ClinGen allele CA339686883.

ClinVar aggregate classification (germline): Uncertain significance (1 of 4 stars; one submission).

Conditions:
Charcot-Marie-Tooth disease dominant intermediate C (CMTDIC). Also called: CHARCOT-MARIE-TOOTH NEUROPATHY, DOMINANT INTERMEDIATE C. Identifiers: Orphanet 100045, MedGen C1842237, MONDO:0012012, OMIM 608323.

Submission:

Labcorp Genetics (formerly Invitae), Labcorp
Classification: Uncertain significance for Charcot-Marie-Tooth disease dominant intermediate C. Last evaluated: 2020-01-15. Review status: criteria provided, single submitter. Criteria: Invitae Variant Classification Sherloc (09022015). Collection method: clinical testing. Allele origin: germline.
Comment: In summary, the available evidence is currently insufficient to determine the role of this variant in disease. Therefore, it has been classified as a Variant of Uncertain Significance. Algorithms developed to predict the effect of missense changes on protein structure and function are either unavailable or do not agree on the potential impact of this missense change (SIFT: "Deleterious; PolyPhen-2: "Benign"; Align-GVGD: "Class C0"). This variant has not been reported in the literature in individuals with YARS-related conditions. This variant is not present in population databases (ExAC no frequency). This sequence change replaces glutamine with arginine at codon 142 of the YARS protein (p.Gln142Arg). The glutamine residue is highly conserved and there is a small physicochemical difference between glutamine and arginine.